The following is an entry in ClinVar:

NM_004380.3(CREBBP):c.6351C>T (p.Pro2117=)

Gene: CREBBP (CREB binding lysine acetyltransferase; minus strand). Cytogenetic location: 16p13.3.
Variant type: single nucleotide variant.
Coding change: c.6351C>T on transcript NM_004380.3 (MANE Select); coding-DNA position 6351, C replaced by T.
Protein change: p.Pro2117=; no amino-acid change (proline 2117 retained).
Molecular consequence: synonymous variant.
Genome position (GRCh38, 1-based): chr16:3,728,696, G>A on the plus strand (C>T on the coding strand, the complement: CREBBP is on the minus strand). VCF-style: chr16-3728696-G-A. GRCh37 (hg19) VCF-style: chr16-3778697-G-A.
Other names: c.6237C>T, p.Pro2079= (NM_001079846.1).
Identifiers: ClinVar variation 1251900 (VCV001251900.9), dbSNP rs142846349, ClinGen allele CA7869135.
Genomic context (GRCh38, chr16:3,728,696, plus strand): 5'-GGGCTGCTGGTGCATGCCAGGCTGGGGTTGCATGCCGGGCTGGGACTGGAGGCCAGGCTG[G>A]GGCTGCATGCCGGGCTGATTGGCCACGTACTTGGCTGTGCGCTGTTTGATGAAAGCTGCC-3'
Protein context (NP_004371.2, residues 2107-2127): KYVANQPGMQ[Pro2117=]QPGLQSQPGM

ClinVar aggregate classification (germline): Benign. Review status: criteria provided, multiple submitters, no conflicts (2 of 4 stars). 3 submissions from 3 submitters: Benign (2). 1 of the submissions does not count toward it. Last evaluated 2026-01-28.

Conditions:
CREBBP-related disorder. Also called: CREBBP-related disorders; CREBBP-related condition.
Rubinstein-Taybi syndrome (RSTS). Identifiers: Orphanet 783, MedGen C0035934, MONDO:0019188.

Allele frequency attached by ClinVar (database versions not stated): ExAC 0.00010; gnomAD 0.00014 and 0.00015; TOPMed 0.00022; ESP Exome Variant Server 0.00023; 1000 Genomes Project 0.00060; 1000 Genomes Project 30x 0.00078.
gnomAD v4.1: 39 of 1,614,002 alleles (0.0024%); highest among the groups gnomAD compares: African/African-American, 0.049%; no homozygotes.

Submissions (3):

Labcorp Genetics (formerly Invitae), Labcorp
Classification: Benign for Rubinstein-Taybi syndrome. Last evaluated: 2026-01-28. Review status: criteria provided, single submitter. Criteria: Invitae Variant Classification Sherloc (09022015). Collection method: clinical testing. Allele origin: germline.

GeneDx
Classification: Benign. Last evaluated: 2020-03-09. Review status: criteria provided, single submitter. Criteria: GeneDx Variant Classification Process June 2021. Collection method: clinical testing. Allele origin: germline. Affected: yes.

PreventionGenetics, part of Exact Sciences
Classification: Likely benign for CREBBP-related condition. Last evaluated: 2021-08-25. Review status: no assertion criteria provided. Collection method: clinical testing. Allele origin: germline. Not counted in ClinVar's aggregate classification.
Comment: This variant is classified as likely benign based on ACMG/AMP sequence variant interpretation guidelines (Richards et al. 2015 PMID: 25741868, with internal and published modifications).